The following is an entry in ClinVar:

NM_001999.4(FBN2):c.4763A>T (p.Asp1588Val)

Gene: FBN2 (fibrillin 2; minus strand). Cytogenetic location: 5q23.3.
Variant type: single nucleotide variant.
Coding change: c.4763A>T on transcript NM_001999.4 (MANE Select); coding-DNA position 4763, A replaced by T.
Protein change: p.Asp1588Val; replaces aspartic acid 1588 with valine.
Molecular consequence: missense variant.
Genome position (GRCh38, 1-based): chr5:128,312,750, T>A on the plus strand (A>T on the coding strand, the complement: FBN2 is on the minus strand). VCF-style: chr5-128312750-T-A. GRCh37 (hg19) VCF-style: chr5-127648442-T-A.
Other names: short protein forms D1588V.
Identifiers: ClinVar variation 519823 (VCV000519823.23), dbSNP rs202218356, ClinGen allele CA3394860.

ClinVar aggregate classification (germline): Conflicting classifications of pathogenicity. Review status: criteria provided, conflicting classifications (1 of 4 stars). 5 submissions from 5 submitters: Uncertain significance (3); Likely benign (1). 1 of the submissions does not count toward it. Last evaluated 2025-12-26.

Conditions:
FBN2-related disorder. Also called: FBN2-related condition.
Familial thoracic aortic aneurysm and aortic dissection (TAAD). Also called: Thoracic aortic aneurysms and dissections. Identifiers: Orphanet 91387, MedGen C4707243, MONDO:0019625.
Congenital contractural arachnodactyly (CCA). Also called: BEALS SYNDROME; Beals-Hecht syndrome; Arthrogryposis, distal, type 9. Identifiers: Orphanet 115, MedGen C0220668, MONDO:0007363, OMIM 121050.

Allele frequency attached by ClinVar (database versions not stated): gnomAD 0.00008 and 0.00009; TOPMed 0.00008.

Submissions (5):

Labcorp Genetics (formerly Invitae), Labcorp
Classification: Likely benign for Congenital contractural arachnodactyly. Last evaluated: 2025-12-26. Review status: criteria provided, single submitter. Criteria: Invitae Variant Classification Sherloc (09022015). Collection method: clinical testing. Allele origin: germline.

Ambry Genetics
Classification: Uncertain significance for Familial thoracic aortic aneurysm and aortic dissection. Last evaluated: 2025-08-11. Review status: criteria provided, single submitter. Criteria: Ambry Variant Classification Scheme 2023. Collection method: clinical testing. Allele origin: germline.
Comment: The p.D1588V variant (also known as c.4763A>T), located in coding exon 37 of the FBN2 gene, results from an A to T substitution at nucleotide position 4763. The aspartic acid at codon 1588 is replaced by valine, an amino acid with highly dissimilar properties. This amino acid position is highly conserved in available vertebrate species. In addition, this alteration is predicted to be deleterious by in silico analysis. Based on the available evidence, the clinical significance of this variant remains unclear.

GeneDx
Classification: Uncertain significance. Last evaluated: 2024-03-11. Review status: criteria provided, single submitter. Criteria: GeneDx Variant Classification Process June 2021. Collection method: clinical testing. Allele origin: germline. Affected: yes.
Comment: Has not been previously published as pathogenic or benign to our knowledge; In silico analysis supports that this missense variant has a deleterious effect on protein structure/function

Revvity Omics, Revvity
Classification: Uncertain significance. Last evaluated: 2021-08-04. Review status: criteria provided, single submitter. Criteria: ACMG Guidelines, 2015. Collection method: clinical testing. Allele origin: germline.

PreventionGenetics, part of Exact Sciences
Classification: Likely benign for FBN2-related condition. Last evaluated: 2024-01-29. Review status: no assertion criteria provided. Collection method: clinical testing. Allele origin: germline. Not counted in ClinVar's aggregate classification.
Comment: This variant is classified as likely benign based on ACMG/AMP sequence variant interpretation guidelines (Richards et al. 2015 PMID: 25741868, with internal and published modifications).